The following is an entry in ClinVar:

NM_000497.4(CYP11B1):c.1438del (p.Asp480fs)

Genes: CYP11B1 (cytochrome P450 family 11 subfamily B member 1; minus strand), LOC106799833 (CYP11B1 recombination region; plus strand). Cytogenetic location: 8q24.3.
Variant type: Deletion.
Coding change: c.1438del on transcript NM_000497.4 (MANE Select); coding-DNA position 1438, one base deleted (G; older notation c.1438delG).
Protein change: p.Asp480fs; shifts the reading frame from aspartic acid 480.
Molecular consequence: frameshift variant.
Genome position (GRCh38, 1-based): chr8:142,874,447, C deleted on the plus strand (G on the coding strand, the reverse complement: CYP11B1 is on the minus strand); the first of 2 consecutive C bases (chr8:142,874,447-142,874,448); deleting either gives the same sequence. VCF-style (leftmost placement, unchanged base first): chr8-142874446-TC-T. GRCh37 (hg19) VCF-style: chr8-143955862-TC-T.
Other names: c.1240del, p.Asp414fs (NM_001026213.1); short protein forms D414fs, D480fs.
Identifiers: ClinVar variation 995870 (VCV000995870.2), dbSNP rs1816868757, ClinGen allele CA1139660800.

ClinVar aggregate classification (germline): Pathogenic/Likely pathogenic. Review status: criteria provided, multiple submitters, no conflicts (2 of 4 stars). 2 submissions from 2 submitters: Pathogenic (1); Likely pathogenic (1). Last evaluated 2026-04-22.

Conditions:
Deficiency of steroid 11-beta-monooxygenase (CYP11B1). Also called: ADRENAL HYPERPLASIA, CONGENITAL, DUE TO STEROID 11-BETA-HYDROXYLASE DEFICIENCY; STEROID 11-BETA-HYDROXYLASE DEFICIENCY; P450C11B1 DEFICIENCY; 11-BETA-HYDROXYLASE DEFICIENCY; Congenital adrenal hyperplasia due to 11-beta-hydroxylase deficiency; ADRENAL HYPERPLASIA IV. Identifiers: Orphanet 90795, MedGen C0268292, MONDO:0008729, OMIM 202010. Disease mechanism: loss of function.

Submissions (2):

Myriad Genetics, Inc.
Classification: Likely pathogenic for Deficiency of steroid 11-beta-monooxygenase. Last evaluated: 2026-04-22. Review status: criteria provided, single submitter. Criteria: Myriad Autosomal Dominant, Autosomal Recessive and X-Linked Classification Criteria (2023). Collection method: clinical testing. Allele origin: unknown.
Comment: NM_000497.3(CYP11B1):c.1438delG(D480Tfs*2) is a frameshift variant classified as likely pathogenic in the context of congenital adrenal hyperplasia, CYP11B1-related. D480Tfs*2 has been observed in a case with relevant disease (PMID: 29909741). Relevant functional assessments of this variant are not available in the literature. Internal structural analysis of the variant is supportive of pathogenicity. D480Tfs*2 has not been observed in referenced population frequency databases. In summary, NM_000497.3(CYP11B1):c.1438delG(D480Tfs*2) is a frameshift variant that has internal structural support for pathogenicity and has been observed more frequently in cases with the relevant disease than in healthy populations. Please note: this variant was assessed in the context of healthy population screening.

Laboratory Genomica, Gynecology and Assisted Reproduction Hospital Malinov DM
Classification: Pathogenic for Deficiency of steroid 11-beta-monooxygenase. Last evaluated: 2018-03-01. Review status: criteria provided, single submitter. Criteria: ACMG Guidelines, 2015. Collection method: clinical testing. Allele origin: maternal. Inheritance: Autosomal recessive inheritance. Affected: yes. Observed: 1 variant allele, 1 compound heterozygote.

Literature cited by the submitters: PubMed 29909741 (cited by Myriad Genetics, Inc.); DOI 10.1080/09513590.2018.1482870 (cited by Laboratory Genomica, Gynecology and Assisted Reproduction Hospital Malinov DM).